The following is an entry in ClinVar:

ClinVar aggregate classification (germline): Uncertain significance (1 of 4 stars; one submission).

Conditions:
Cardiomyopathy (CMYO). Also called: Cardiomyopathies. Identifiers: Orphanet 167848, MedGen C0878544, MONDO:0004994, HP:0001638. Inheritance: Various modes of inheritance.

Submission:

Color Diagnostics, LLC DBA Color Health
Classification: Uncertain significance for Cardiomyopathy. Last evaluated: 2025-02-16. Review status: criteria provided, single submitter. Criteria: ACMG Guidelines, 2015. Collection method: clinical testing. Allele origin: germline.
Comment: This missense variant replaces alanine with glutamic acid at codon 3442 of the RYR2 protein. Computational prediction suggests that this variant may not impact protein structure and function (internally defined REVEL score threshold <= 0.5, PMID: 27666373). To our knowledge, functional studies have not been reported for this variant. This variant has not been reported in individuals affected with RYR2-related disorders in the literature. This variant has not been identified in the general population by the Genome Aggregation Database (gnomAD). The available evidence is insufficient to determine the role of this variant in disease conclusively. Therefore, this variant is classified as a Variant of Uncertain Significance.

NM_001035.3(RYR2):c.10325C>A (p.Ala3442Glu)

Gene: RYR2 (ryanodine receptor 2; plus strand). Cytogenetic location: 1q43.
Variant type: single nucleotide variant.
Coding change: c.10325C>A on transcript NM_001035.3 (MANE Select); coding-DNA position 10325, C replaced by A.
Protein change: p.Ala3442Glu; replaces alanine 3442 with glutamic acid.
Molecular consequence: missense variant.
Genome position (GRCh38, 1-based): chr1:237,717,199, C>A. VCF-style: chr1-237717199-C-A. GRCh37 (hg19) VCF-style: chr1-237880499-C-A.
Other names: short protein forms A3442E.
Identifiers: ClinVar variation 3894244 (VCV003894244.1).
Genomic context (GRCh38, chr1:237,717,199, plus strand): 5'-AGTGGTTCTACATGTGAGAAAAGCAGGTTCAGATCCCAGCACTTCTCTTTGTTCCATAGG[C>A]AGCTGTTTCTGATCAGGAAAGGAAGAAAATGAAGCGCAAAGGAGATCGGTATTCCATGCA-3'
Protein context (NP_001026.2, residues 3432-3452): ITDTKSKMSK[Ala3442Glu]AVSDQERKKM